The following is an entry in ClinVar:

NM_006922.4(SCN3A):c.4883T>C (p.Ile1628Thr)

Gene: SCN3A (sodium voltage-gated channel alpha subunit 3; minus strand). Cytogenetic location: 2q24.3.
Variant type: single nucleotide variant.
Coding change: c.4883T>C on transcript NM_006922.4 (MANE Select); coding-DNA position 4883, T replaced by C.
Protein change: p.Ile1628Thr; replaces isoleucine 1628 with threonine.
Molecular consequence: missense variant.
Genome position (GRCh38, 1-based): chr2:165,091,270, A>G on the plus strand (T>C on the coding strand, the complement: SCN3A is on the minus strand). VCF-style: chr2-165091270-A-G. GRCh37 (hg19) VCF-style: chr2-165947780-A-G.
Other names: c.4736T>C, p.Ile1579Thr (NM_001081676.2, NM_001081677.2); short protein forms I1579T, I1628T.
Identifiers: ClinVar variation 1800960 (VCV001800960.2), dbSNP rs2468042144, ClinGen allele CA349018189.

ClinVar aggregate classification (germline): Uncertain significance (1 of 4 stars; one submission).

Allele frequency attached by ClinVar (database versions not stated): gnomAD exomes 0.00001.
gnomAD v4.1: 7 of 1,614,136 alleles (0.00043%); highest among the groups gnomAD compares: Non-Finnish European, 0.00059%; no homozygotes.

Submission:

GeneDx
Classification: Uncertain significance. Last evaluated: 2026-09-17. Review status: criteria provided, single submitter. Criteria: GeneDx Variant Classification Process June 2021. Collection method: clinical testing. Allele origin: germline.
Comment: Not observed at significant frequency in large population cohorts (gnomAD); In silico analysis supports that this missense variant has a deleterious effect on protein structure/function; Has not been previously published as pathogenic or benign to our knowledge